The following is an entry in ClinVar:

NM_001017420.3(ESCO2):c.150_151dup (p.Gln51fs)

Gene: ESCO2 (establishment of sister chromatid cohesion N-acetyltransferase 2; plus strand). Cytogenetic location: 8p21.1.
Variant type: Microsatellite.
Coding change: c.150_151dup on transcript NM_001017420.3 (MANE Select); coding-DNA positions 150 to 151, 2 bases duplicated (TC; older notation c.150_151dupTC).
Protein change: p.Gln51fs; shifts the reading frame from glutamine 51.
Molecular consequence: frameshift variant.
Genome position (GRCh38, 1-based): chr8:27,776,458-27,776,459, TC duplicated; duplicating any 2 consecutive bases within chr8:27,776,455-27,776,459 gives the same sequence; the c. name uses the placement nearest the transcript's 3' end. VCF-style (leftmost placement, unchanged base first): chr8-27776454-G-GCT. GRCh37 (hg19) VCF-style: chr8-27633971-G-GCT.
Other names: short protein forms Q51fs.
Identifiers: ClinVar variation 3621491 (VCV003621491.2).
Genomic context (GRCh38, chr8:27,776,454, plus strand): 5'-CACCTAATAAAAAGCACTGTTTTTATCAAAACAGTGATAAAAATGAAGAAAACCTGCATT[G>GCT]CTCTCAACAAGAGCATTTTGTTTTAAGTGCGCTCAAAACAACTGAAATAAATAGACTGCC-3'

ClinVar aggregate classification (germline): Pathogenic (1 of 4 stars; one submission).

Submission:

Labcorp Genetics (formerly Invitae), Labcorp
Classification: Pathogenic. Last evaluated: 2024-02-11. Review status: criteria provided, single submitter. Criteria: Invitae Variant Classification Sherloc (09022015). Collection method: clinical testing. Allele origin: germline.
Comment: This sequence change creates a premature translational stop signal (p.Gln51Leufs*8) in the ESCO2 gene. It is expected to result in an absent or disrupted protein product. Loss-of-function variants in ESCO2 are known to be pathogenic (PMID: 15821733, 16380922). This variant is not present in population databases (gnomAD no frequency). This variant has not been reported in the literature in individuals affected with ESCO2-related conditions. For these reasons, this variant has been classified as Pathogenic.

Literature cited by the submitters: PubMed 15821733; PubMed 16380922.